The following is an entry in ClinVar:

NM_213599.3(ANO5):c.87G>A (p.Glu29=)

Gene: ANO5 (anoctamin 5; plus strand). Cytogenetic location: 11p14.3.
Variant type: single nucleotide variant.
Coding change: c.87G>A on transcript NM_213599.3 (MANE Select); coding-DNA position 87, G replaced by A.
Protein change: p.Glu29=; no amino-acid change (glutamic acid 29 retained).
Molecular consequence: synonymous variant.
Genome position (GRCh38, 1-based): chr11:22,203,850, G>A. VCF-style: chr11-22203850-G-A. GRCh37 (hg19) VCF-style: chr11-22225396-G-A.
Other names: c.87G>A, p.Glu29= (NM_001142649.2).
Identifiers: ClinVar variation 468846 (VCV000468846.9), dbSNP rs1554919178, ClinGen allele CA473402352.

ClinVar aggregate classification (germline): Uncertain significance. Review status: criteria provided, multiple submitters, no conflicts (2 of 4 stars). 2 submissions from 2 submitters: Uncertain significance (2). Last evaluated 2022-07-19.

Conditions:
Autosomal recessive limb-girdle muscular dystrophy type 2L (LGMDR12). Also called: Limb-Girdle Muscular Dystrophy R12 Anoctamin-5-Related (LGMD-R12); Limb-girdle muscular dystrophy, type 2L; MUSCULAR DYSTROPHY, LIMB-GIRDLE, AUTOSOMAL RECESSIVE 12. Identifiers: Orphanet 206549, MedGen C1969785, MONDO:0012652, OMIM 611307.
Gnathodiaphyseal dysplasia (GDD). Also called: GNATHODIAPHYSEAL SCLEROSIS; OSTEOGENESIS IMPERFECTA WITH UNUSUAL SKELETAL LESIONS. Identifiers: Orphanet 53697, MedGen C1833736, MONDO:0008151, OMIM 166260.

Allele frequency attached by ClinVar (database versions not stated): gnomAD exomes below 0.00001; gnomAD 0.00001.
gnomAD v4.1: 6 of 1,467,852 alleles (0.00041%); highest among the groups gnomAD compares: Non-Finnish European, 0.00047%; no homozygotes.

Submissions (2):

Labcorp Genetics (formerly Invitae), Labcorp
Classification: Uncertain significance for Autosomal recessive limb-girdle muscular dystrophy type 2L; Gnathodiaphyseal dysplasia. Last evaluated: 2022-07-19. Review status: criteria provided, single submitter. Criteria: Invitae Variant Classification Sherloc (09022015). Collection method: clinical testing. Allele origin: germline.
Comment: ClinVar contains an entry for this variant (Variation ID: 468846). This variant has been observed in individual(s) with clinical features of autosomal recessive limb-girdle muscular dystrophy (PMID: 30919934). This variant is not present in population databases (gnomAD no frequency). This sequence change affects codon 29 of the ANO5 mRNA. It is a 'silent' change, meaning that it does not change the encoded amino acid sequence of the ANO5 protein. This variant also falls at the last nucleotide of exon 2, which is part of the consensus splice site for this exon. Variants that disrupt the consensus splice site are a relatively common cause of aberrant splicing (PMID: 17576681, 9536098). Algorithms developed to predict the effect of sequence changes on RNA splicing suggest that this variant may disrupt the consensus splice site. In summary, the available evidence is currently insufficient to determine the role of this variant in disease. Therefore, it has been classified as a Variant of Uncertain Significance.

Athena Diagnostics
Classification: Uncertain significance. Last evaluated: 2018-01-24. Review status: criteria provided, single submitter. Criteria: Athena Diagnostics Criteria. Collection method: clinical testing. Allele origin: germline.

Literature cited by the submitters: PubMed 30919934 (cited by Labcorp Genetics (formerly Invitae), Labcorp); PubMed 17576681 (cited by Labcorp Genetics (formerly Invitae), Labcorp); PubMed 9536098 (cited by Labcorp Genetics (formerly Invitae), Labcorp).